The following is an entry in ClinVar:

NM_001387430.1(SH2B1):c.1898-253C>T

Gene: SH2B1 (SH2B adaptor protein 1; plus strand). Cytogenetic location: 16p11.2.
Variant type: single nucleotide variant.
Coding change: c.1898-253C>T on transcript NM_001387430.1 (MANE Select); 253 bases into the intron before coding-DNA position 1898, C replaced by T.
Molecular consequence: intron variant. On other transcripts: missense variant (5).
Genome position (GRCh38, 1-based): chr16:28,873,194, C>T. VCF-style: chr16-28873194-C-T. GRCh37 (hg19) VCF-style: chr16-28884515-C-T.
Other names: c.1922C>T, p.Ala641Val (NM_001145796.2, NM_001145812.2, NM_015503.3); c.1975C>T, p.Arg659Trp (NM_001145797.2); c.914C>T, p.Ala305Val (NM_001308294.2); c.1898-253C>T (NM_001308293.2, NM_001387404.1, NM_001145795.2); c.1922C>T (NM_015503.2); short protein forms A641V, R659W, A305V.
Identifiers: ClinVar variation 798893 (VCV000798893.34), dbSNP rs761572337, ClinGen allele CA7986350.

ClinVar aggregate classification (germline): Conflicting classifications of pathogenicity. Review status: criteria provided, conflicting classifications (1 of 4 stars). 3 submissions from 3 submitters: Uncertain significance (1); Benign (1); Likely benign (1). Last evaluated 2025-12-17.

Conditions:
SH2B1-related disorder. Also called: SH2B1-related condition.

Allele frequency attached by ClinVar (database versions not stated): gnomAD exomes 0.00002 and 0.00010; TOPMed 0.00004; ExAC 0.00013.
gnomAD v4.1: 30 of 1,591,760 alleles (0.0019%); highest among the groups gnomAD compares: East Asian, 0.043%; no homozygotes.

Submissions (3):

PreventionGenetics, part of Exact Sciences
Classification: Uncertain significance for SH2B1-related condition. Last evaluated: 2025-12-17. Review status: criteria provided, single submitter. Criteria: ACMG Guidelines, 2015. Collection method: clinical testing. Allele origin: germline.
Comment: The SH2B1 c.1922C>T variant is predicted to result in the amino acid substitution p.Ala641Val. To our knowledge, this variant has not been reported in the literature. This variant is reported in 0.11% of alleles in individuals of East Asian descent in gnomAD. Although we suspect that this variant may be benign, at this time, the clinical significance of this variant is uncertain due to the absence of conclusive functional and genetic evidence.

CeGaT Center for Human Genetics Tuebingen
Classification: Benign. Last evaluated: 2022-08-01. Review status: criteria provided, single submitter. Criteria: CeGaT Center For Human Genetics Tuebingen Variant Classification Criteria Version 2. Collection method: clinical testing. Allele origin: germline. Affected: yes. Observed: 1 variant allele.
Comment: SH2B1: BS1, BS2

Labcorp Genetics (formerly Invitae), Labcorp
Classification: Likely benign. Last evaluated: 2018-12-24. Review status: criteria provided, single submitter. Criteria: Invitae Variant Classification Sherloc (09022015). Collection method: clinical testing. Allele origin: germline.